The following is an entry in ClinVar:

NM_020778.5(ALPK3):c.801_810delinsACCTGA (p.Asn267fs)

Gene: ALPK3 (alpha kinase 3; plus strand). Cytogenetic location: 15q25.3.
Variant type: Indel.
Coding change: c.801_810delinsACCTGA on transcript NM_020778.5 (MANE Select); coding-DNA positions 801 to 810, CAGTTTTGCT replaced by ACCTGA.
Protein change: p.Asn267fs; shifts the reading frame from asparagine 267.
Molecular consequence: frameshift variant.
Genome position (GRCh38, 1-based): chr15:84,840,080-84,840,089, CAGTTTTGCT replaced by ACCTGA. VCF-style: chr15-84840080-CAGTTTTGCT-ACCTGA. GRCh37 (hg19) VCF-style: chr15-85383311-CAGTTTTGCT-ACCTGA.
Other names: short protein forms N267fs.
Identifiers: ClinVar variation 1771910 (VCV001771910.2), dbSNP rs2505705477, ClinGen allele CA2580090119.
Genomic context (GRCh38, chr15:84,840,080, plus strand): 5'-GGCGGCTTGGCAGGAGGGAGAGACTGAGACTGCTCAGCACTCAGGTTTGGGCCTGATCAA[CAGTTTTGCT>ACCTGA]TCTGGAGAAGTGACCACCAACGGGGAGGCTGCCCCCGAGAATGGAGAGGACGGAGAGCAT-3'

ClinVar aggregate classification (germline): Likely pathogenic (1 of 4 stars; one submission).

Conditions:
Cardiovascular phenotype. Identifiers: MedGen CN230736.

Submission:

Ambry Genetics
Classification: Likely pathogenic for Cardiovascular phenotype. Last evaluated: 2020-08-10. Review status: criteria provided, single submitter. Criteria: Ambry Variant Classification Scheme 2023. Collection method: clinical testing. Allele origin: germline.
Comment: The c.1407_1416del10insACCTGA variant, located in coding exon 5 of the ALPK3 gene, results from the deletion of 10 nucleotides and insertion of 6 nucleotides causing a translational frameshift with a predicted alternate stop codon (p.N469Kfs*7). This alteration is expected to result in loss of function by premature protein truncation or nonsense-mediated mRNA decay. Based on the majority of available evidence to date, this variant is likely to be pathogenic.